The following is an entry in ClinVar:

NM_001128159.3(VPS53):c.1431C>G (p.Tyr477Ter)

Gene: VPS53 (VPS53 subunit of GARP complex; minus strand). Cytogenetic location: 17p13.3.
Variant type: single nucleotide variant.
Coding change: c.1431C>G on transcript NM_001128159.3 (MANE Select); coding-DNA position 1431, C replaced by G.
Protein change: p.Tyr477Ter; replaces tyrosine 477 with a stop codon.
Molecular consequence: nonsense.
Genome position (GRCh38, 1-based): chr17:562,628, G>C on the plus strand (C>G on the coding strand, the complement: VPS53 is on the minus strand). VCF-style: chr17-562628-G-C. GRCh37 (hg19) VCF-style: chr17-465868-G-C.
Other names: c.1431C>G, p.Tyr477Ter (NM_001366253.2); c.837C>G, p.Tyr279Ter (NM_001366254.2); c.1344C>G, p.Tyr448Ter (NM_018289.4); short protein forms Y279*, Y448*, Y477*.
Identifiers: ClinVar variation 5015945 (VCV005015945.1).

ClinVar aggregate classification (germline): Pathogenic (1 of 4 stars; one submission).

Conditions:
Pontocerebellar hypoplasia type 2E. Identifiers: Orphanet 247198, MedGen C4014488, MONDO:0014370, OMIM 615851.

gnomAD v4.1: 1 of 1,613,986 alleles (0.000062%); highest among the groups gnomAD compares: Non-Finnish European, 0.000085%; no homozygotes.

Submission:

Myriad Genetics, Inc.
Classification: Pathogenic for Pontocerebellar hypoplasia type 2E. Last evaluated: 2026-05-22. Review status: criteria provided, single submitter. Criteria: Myriad Autosomal Dominant, Autosomal Recessive and X-Linked Classification Criteria (2023). Collection method: clinical testing. Allele origin: unknown.
Comment: NM_001128159.2(VPS53):c.1431C>G(Y477*) is expected to be pathogenic in the context of pontocerebellar hypoplasia, VPS53-related. This variant is predicted to lead to an abnormal or absent protein product due to the creation of a premature termination codon in VPS53, a gene where loss-of-function variants are known to be pathogenic. Please note: this variant was assessed in the context of healthy population screening.